The following is an entry in ClinVar:

NM_017763.6(RNF43):c.297G>A (p.Leu99=)

Gene: RNF43 (ring finger protein 43; minus strand). Cytogenetic location: 17q22.
Variant type: single nucleotide variant.
Coding change: c.297G>A on transcript NM_017763.6 (MANE Select); coding-DNA position 297, G replaced by A.
Protein change: p.Leu99=; no amino-acid change (leucine 99 retained).
Molecular consequence: synonymous variant. On other transcripts: 5 prime UTR variant (2).
Genome position (GRCh38, 1-based): chr17:58,370,989, C>T on the plus strand (G>A on the coding strand, the complement: RNF43 is on the minus strand). VCF-style: chr17-58370989-C-T. GRCh37 (hg19) VCF-style: chr17-56448350-C-T.
Other names: c.297G>A, p.Leu99= (NM_001305544.3, NM_001438820.1, NM_001438821.1 and 1 more transcripts); c.-85G>A (NM_001305545.2, NM_001437987.1).
Identifiers: ClinVar variation 4875867 (VCV004875867.1).

ClinVar aggregate classification (germline): Benign (1 of 4 stars; one submission).

Conditions:
Sessile serrated polyposis cancer syndrome (SSPCS). Identifiers: Orphanet 157798, MedGen C4310714, MONDO:0014919, OMIM 617108.

Submission:

Myriad Genetics, Inc.
Classification: Benign for Sessile serrated polyposis cancer syndrome. Last evaluated: 2026-06-29. Review status: criteria provided, single submitter. Criteria: Myriad Autosomal Dominant, Autosomal Recessive and X-Linked Classification Criteria (2023). Collection method: clinical testing. Allele origin: unknown.
Comment: This variant is considered benign. This variant is a silent/synonymous amino acid change and it is not expected to impact splicing.